The following is an entry in ClinVar:

ClinVar aggregate classification (germline): Uncertain significance (1 of 4 stars; one submission).

Conditions:
Developmental and epileptic encephalopathy, 1 (DEE1). Also called: X-linked infantile spasms; West's syndrome; Tonic spasms with clustering, arrest of psychomotor development and hypsarrhythmia on EEG; X-Linked Infantile Spasm Syndrome; OHTAHARA SYNDROME, X-LINKED; INFANTILE SPASM SYNDROME, X-LINKED 1. Identifiers: MedGen C3463992, MONDO:0010632, OMIM 308350. Disease mechanism: loss of function.
Autosomal recessive spinocerebellar ataxia 12. Also called: SPINOCEREBELLAR ATAXIA WITH MENTAL RETARDATION AND EPILEPSY. Identifiers: Orphanet 284282, MedGen C3280452, MONDO:0013687, OMIM 614322.

gnomAD v4.1: 1 of 1,614,194 alleles (0.000062%); highest among the groups gnomAD compares: African/African-American, 0.0013%; no homozygotes.

Submission:

Labcorp Genetics (formerly Invitae), Labcorp
Classification: Uncertain significance for Developmental and epileptic encephalopathy, 1; Autosomal recessive spinocerebellar ataxia 12. Last evaluated: 2022-10-17. Review status: criteria provided, single submitter. Criteria: Invitae Variant Classification Sherloc (09022015). Collection method: clinical testing. Allele origin: germline.
Comment: ClinVar contains an entry for this variant (Variation ID: 1354856). This variant has not been reported in the literature in individuals affected with WWOX-related conditions. Advanced modeling of protein sequence and biophysical properties (such as structural, functional, and spatial information, amino acid conservation, physicochemical variation, residue mobility, and thermodynamic stability) performed at Invitae indicates that this missense variant is not expected to disrupt WWOX protein function. In summary, the available evidence is currently insufficient to determine the role of this variant in disease. Therefore, it has been classified as a Variant of Uncertain Significance. This sequence change replaces glutamine, which is neutral and polar, with arginine, which is basic and polar, at codon 118 of the WWOX protein (p.Gln118Arg). This variant is not present in population databases (gnomAD no frequency).

NM_016373.4(WWOX):c.353A>G (p.Gln118Arg)

Gene: WWOX (WW domain containing oxidoreductase; plus strand). Cytogenetic location: 16q23.1.
Variant type: single nucleotide variant.
Coding change: c.353A>G on transcript NM_016373.4 (MANE Select); coding-DNA position 353, A replaced by G.
Protein change: p.Gln118Arg; replaces glutamine 118 with arginine.
Molecular consequence: missense variant. On other transcripts: non-coding transcript variant (1).
Genome position (GRCh38, 1-based): chr16:78,115,098, A>G. VCF-style: chr16-78115098-A-G. GRCh37 (hg19) VCF-style: chr16-78148995-A-G.
Other names: c.14A>G, p.Gln5Arg (NM_001291997.2); c.353A>G, p.Gln118Arg (NM_130791.5); short protein forms Q118R, Q5R.
Identifiers: ClinVar variation 1354856 (VCV001354856.8), dbSNP rs752982374, ClinGen allele CA396842527.